The following is an entry in ClinVar:

ClinVar aggregate classification (germline): Uncertain significance (1 of 4 stars; one submission).

Conditions:
Hereditary cancer-predisposing syndrome. Also called: Neoplastic Syndromes, Hereditary; Tumor predisposition; Hereditary neoplastic syndrome; Hereditary Cancer Syndrome. Identifiers: Orphanet 140162, MedGen C0027672, MeSH D009386, MONDO:0015356.

Submission:

Ambry Genetics
Classification: Uncertain significance for Hereditary cancer-predisposing syndrome. Last evaluated: 2022-11-03. Review status: criteria provided, single submitter. Criteria: Ambry Variant Classification Scheme 2023. Collection method: clinical testing. Allele origin: germline.
Comment: The p.W556R variant (also known as c.1666T>C), located in coding exon 4 of the MET gene, results from a T to C substitution at nucleotide position 1666. The tryptophan at codon 556 is replaced by arginine, an amino acid with dissimilar properties. This amino acid position is conserved. In addition, the in silico prediction for this alteration is inconclusive. Since supporting evidence is limited at this time, the clinical significance of this alteration remains unclear.

NM_000245.4(MET):c.1666T>C (p.Trp556Arg)

Gene: MET (MET proto-oncogene, receptor tyrosine kinase; plus strand). Cytogenetic location: 7q31.2.
Variant type: single nucleotide variant.
Coding change: c.1666T>C on transcript NM_000245.4 (MANE Select); coding-DNA position 1666, T replaced by C.
Protein change: p.Trp556Arg; replaces tryptophan 556 with arginine.
Molecular consequence: missense variant.
Genome position (GRCh38, 1-based): chr7:116,740,990, T>C. VCF-style: chr7-116740990-T-C. GRCh37 (hg19) VCF-style: chr7-116381044-T-C.
Other names: c.1666T>C, p.Trp556Arg (NM_001127500.3, NM_001324401.3); c.376T>C, p.Trp126Arg (NM_001324402.2); short protein forms W126R, W556R.
Identifiers: ClinVar variation 2453371 (VCV002453371.2), dbSNP rs2485645842, ClinGen allele CA368975746.